The following is an entry in ClinVar:

NM_024939.3(ESRP2):c.1177G>A (p.Gly393Ser)

Gene: ESRP2 (epithelial splicing regulatory protein 2; minus strand). Cytogenetic location: 16q22.1.
Variant type: single nucleotide variant.
Coding change: c.1177G>A on transcript NM_024939.3 (MANE Select); coding-DNA position 1177, G replaced by A.
Protein change: p.Gly393Ser; replaces glycine 393 with serine.
Molecular consequence: missense variant.
Genome position (GRCh38, 1-based): chr16:68,231,924, C>T on the plus strand (G>A on the coding strand, the complement: ESRP2 is on the minus strand). VCF-style: chr16-68231924-C-T. GRCh37 (hg19) VCF-style: chr16-68265827-C-T.
Other names: c.1207G>A, p.Gly403Ser (NM_001365264.1); c.1177G>A, p.Gly393Ser (NM_001365265.1); short protein forms G393S, G403S.
Identifiers: ClinVar variation 3347527 (VCV003347527.1).

ClinVar aggregate classification (germline): Uncertain significance (0 of 4 stars; one submission).

Conditions:
ESRP2-related disorder. Also called: ESRP2-related condition.

gnomAD v4.1: 1 of 1,614,088 alleles (0.000062%); highest among the groups gnomAD compares: Non-Finnish European, 0.000085%; no homozygotes.

Submission:

PreventionGenetics, part of Exact Sciences
Classification: Uncertain significance for ESRP2-related condition. Last evaluated: 2024-08-18. Review status: no assertion criteria provided. Collection method: clinical testing. Allele origin: germline.
Comment: The ESRP2 c.1207G>A variant is predicted to result in the amino acid substitution p.Gly403Ser. To our knowledge, this variant has not been reported in the literature or in a large population database, indicating this variant is rare. At this time, the clinical significance of this variant is uncertain due to the absence of conclusive functional and genetic evidence.